The following is an entry in ClinVar:

NM_003590.5(CUL3):c.2261T>C (p.Leu754Ser)

Gene: CUL3 (cullin 3; minus strand). Cytogenetic location: 2q36.2.
Variant type: single nucleotide variant.
Coding change: c.2261T>C on transcript NM_003590.5 (MANE Select); coding-DNA position 2261, T replaced by C.
Protein change: p.Leu754Ser; replaces leucine 754 with serine.
Molecular consequence: missense variant.
Genome position (GRCh38, 1-based): chr2:224,474,291, A>G on the plus strand (T>C on the coding strand, the complement: CUL3 is on the minus strand). VCF-style: chr2-224474291-A-G. GRCh37 (hg19) VCF-style: chr2-225339008-A-G.
Other names: c.2063T>C, p.Leu688Ser (NM_001257197.2); c.2279T>C, p.Leu760Ser (NM_001257198.2); short protein forms L754S, L688S, L760S.
Identifiers: ClinVar variation 4008321 (VCV004008321.2).

ClinVar aggregate classification (germline): Uncertain significance (1 of 4 stars; one submission).

Conditions:
Inborn genetic diseases. Identifiers: MedGen C0950123, MeSH D030342.

gnomAD v4.1: 1 of 1,614,018 alleles (0.000062%); highest among the groups gnomAD compares: Non-Finnish European, 0.000085%; no homozygotes.

Submission:

Ambry Genetics
Classification: Uncertain significance for Inborn genetic diseases. Last evaluated: 2025-08-28. Review status: criteria provided, single submitter. Criteria: Ambry Variant Classification Scheme 2023. Collection method: clinical testing. Allele origin: germline.
Comment: The c.2261T>C (p.L754S) alteration is located in exon 16 (coding exon 16) of the CUL3 gene. This alteration results from a T to C substitution at nucleotide position 2261, causing the leucine (L) at amino acid position 754 to be replaced by a serine (S). This variant was not reported in population-based cohorts in the Genome Aggregation Database (gnomAD). This amino acid position is highly conserved in available vertebrate species. This missense alteration is located in a region that has a low rate of benign missense variation (Lek, 2016; Firth, 2009). This alteration is predicted to be deleterious by in silico analysis. Based on insufficient or conflicting evidence, the clinical significance of this alteration remains unclear.